The following is an entry in ClinVar:

ClinVar aggregate classification (germline): Uncertain significance (1 of 4 stars; one submission).

Allele frequency attached by ClinVar (database versions not stated): gnomAD exomes below 0.00001.
gnomAD v4.1: 1 of 1,614,164 alleles (0.000062%); highest among the groups gnomAD compares: Non-Finnish European, 0.000085%; no homozygotes.

Submission:

Labcorp Genetics (formerly Invitae), Labcorp
Classification: Uncertain significance. Last evaluated: 2023-02-24. Review status: criteria provided, single submitter. Criteria: Invitae Variant Classification Sherloc (09022015). Collection method: clinical testing. Allele origin: germline.
Comment: In summary, the available evidence is currently insufficient to determine the role of this variant in disease. Therefore, it has been classified as a Variant of Uncertain Significance. Advanced modeling of protein sequence and biophysical properties (such as structural, functional, and spatial information, amino acid conservation, physicochemical variation, residue mobility, and thermodynamic stability) performed at Invitae indicates that this missense variant is not expected to disrupt LRP6 protein function. This variant has not been reported in the literature in individuals affected with LRP6-related conditions. This variant is not present in population databases (gnomAD no frequency). This sequence change replaces methionine, which is neutral and non-polar, with valine, which is neutral and non-polar, at codon 947 of the LRP6 protein (p.Met947Val).

NM_002336.3(LRP6):c.2839A>G (p.Met947Val)

Gene: LRP6 (LDL receptor related protein 6; minus strand). Cytogenetic location: 12p13.2.
Variant type: single nucleotide variant.
Coding change: c.2839A>G on transcript NM_002336.3 (MANE Select); coding-DNA position 2839, A replaced by G.
Protein change: p.Met947Val; replaces methionine 947 with valine.
Molecular consequence: missense variant. On other transcripts: non-coding transcript variant (1).
Genome position (GRCh38, 1-based): chr12:12,150,991, T>C on the plus strand (A>G on the coding strand, the complement: LRP6 is on the minus strand). VCF-style: chr12-12150991-T-C. GRCh37 (hg19) VCF-style: chr12-12303925-T-C.
Other names: c.2839A>G, p.Met947Val (NM_001414244.1, NM_001414245.1, NM_001414246.1 and 4 more transcripts); c.2641A>G, p.Met881Val (NM_001414247.1); c.2386A>G, p.Met796Val (NM_001414252.1, NM_001414253.1, NM_001414254.1); c.2332A>G, p.Met778Val (NM_001414255.1); short protein forms M796V, M947V, M778V, M881V.
Identifiers: ClinVar variation 2974370 (VCV002974370.3), dbSNP rs1950073649, ClinGen allele CA383942503.